The following is an entry in ClinVar:

ClinVar aggregate classification (germline): Uncertain significance (1 of 4 stars; one submission).

Conditions:
Familial hypobetalipoproteinemia 1. Also called: APOB-Related Familial Hypobetalipoproteinemia; Hypobetalipoproteinemia, normotriglyceridemic; Acanthocytosis with hypobetalipoproteinemia. Identifiers: MedGen C4551990, MONDO:0014252, OMIM 615558.
Hypercholesterolemia, autosomal dominant, type B (FHCL2). Also called: Familial Hypercholesterolemia Type B; APOLIPOPROTEIN B-100, FAMILIAL DEFECTIVE; APOLIPOPROTEIN B-100, FAMILIAL LIGAND-DEFECTIVE; HYPERCHOLESTEROLEMIA, FAMILIAL, DUE TO LIGAND-DEFECTIVE APOLIPOPROTEIN B; Hyperlipoproteinemia Type IIb; Familial hypercholesterolemia 2. Identifiers: MedGen C1704417, MONDO:0007751, OMIM 144010.

Submission:

Labcorp Genetics (formerly Invitae), Labcorp
Classification: Uncertain significance for Familial hypobetalipoproteinemia 1; Hypercholesterolemia, autosomal dominant, type B. Last evaluated: 2024-11-16. Review status: criteria provided, single submitter. Criteria: Invitae Variant Classification Sherloc (09022015). Collection method: clinical testing. Allele origin: germline.
Comment: This sequence change replaces lysine, which is basic and polar, with threonine, which is neutral and polar, at codon 3028 of the APOB protein (p.Lys3028Thr). This variant is not present in population databases (gnomAD no frequency). This variant has not been reported in the literature in individuals affected with APOB-related conditions. Invitae Evidence Modeling of protein sequence and biophysical properties (such as structural, functional, and spatial information, amino acid conservation, physicochemical variation, residue mobility, and thermodynamic stability) indicates that this missense variant is not expected to disrupt APOB protein function with a negative predictive value of 95%. In summary, the available evidence is currently insufficient to determine the role of this variant in disease. Therefore, it has been classified as a Variant of Uncertain Significance.

NM_000384.3(APOB):c.9083A>C (p.Lys3028Thr)

Gene: APOB (apolipoprotein B; minus strand). Cytogenetic location: 2p24.1.
Variant type: single nucleotide variant.
Coding change: c.9083A>C on transcript NM_000384.3 (MANE Select); coding-DNA position 9083, A replaced by C.
Protein change: p.Lys3028Thr; replaces lysine 3028 with threonine.
Molecular consequence: missense variant.
Genome position (GRCh38, 1-based): chr2:21,007,785, T>G on the plus strand (A>C on the coding strand, the complement: APOB is on the minus strand). VCF-style: chr2-21007785-T-G. GRCh37 (hg19) VCF-style: chr2-21230657-T-G.
Other names: short protein forms K3028T.
Identifiers: ClinVar variation 3748012 (VCV003748012.2).